The following is an entry in ClinVar:

ClinVar aggregate classification (germline): Benign/Likely benign. Review status: criteria provided, multiple submitters, no conflicts (2 of 4 stars). 2 submissions from 2 submitters: Benign (1); Likely benign (1). Last evaluated 2024-10-16.

Conditions:
Lung cancer. Also called: Malignant tumor of lung; Lung cancer, somatic. Identifiers: MedGen C0242379, MONDO:0008903, OMIM 211980.
EGFR-related lung cancer (EGFR). Identifiers: MedGen CN130014.

Allele frequency attached by ClinVar (database versions not stated): gnomAD exomes below 0.00001; ExAC 0.00001.
gnomAD v4.1: 1 of 1,614,210 alleles (0.000062%); highest among the groups gnomAD compares: Non-Finnish European, 0.000085%; no homozygotes.

Submissions (2):

Myriad Genetics, Inc.
Classification: Benign for Lung cancer. Last evaluated: 2024-10-16. Review status: criteria provided, single submitter. Criteria: Myriad Autosomal Dominant, Autosomal Recessive and X-Linked Classification Criteria (2023). Collection method: clinical testing. Allele origin: unknown.
Comment: This variant is considered benign. This variant is a silent/synonymous amino acid change and it is not expected to impact splicing.

Labcorp Genetics (formerly Invitae), Labcorp
Classification: Likely benign for EGFR-related lung cancer. Last evaluated: 2021-08-27. Review status: criteria provided, single submitter. Criteria: Invitae Variant Classification Sherloc (09022015). Collection method: clinical testing. Allele origin: germline.

NM_005228.5(EGFR):c.2358G>A (p.Val786=)

Genes: EGFR (epidermal growth factor receptor; plus strand), EGFR-AS1 (EGFR antisense RNA 1; minus strand). Cytogenetic location: 7p11.2.
Variant type: single nucleotide variant.
Coding change: c.2358G>A on transcript NM_005228.5 (MANE Select); coding-DNA position 2358, G replaced by A.
Protein change: p.Val786=; no amino-acid change (valine 786 retained).
Molecular consequence: synonymous variant. On other transcripts: non-coding transcript variant (1).
Genome position (GRCh38, 1-based): chr7:55,181,367, G>A. VCF-style: chr7-55181367-G-A. GRCh37 (hg19) VCF-style: chr7-55249060-G-A.
Other names: c.2223G>A, p.Val741= (NM_001346897.2, NM_001346899.2); c.2358G>A, p.Val786= (NM_001346898.2); c.2199G>A, p.Val733= (NM_001346900.2); c.1557G>A, p.Val519= (NM_001346941.2).
Identifiers: ClinVar variation 1563169 (VCV001563169.9), dbSNP rs766193740, ClinGen allele CA4266059.